The following is an entry in ClinVar:

NM_001035.3(RYR2):c.8208+3A>G

Gene: RYR2 (ryanodine receptor 2; plus strand). Cytogenetic location: 1q43.
Variant type: single nucleotide variant.
Coding change: c.8208+3A>G on transcript NM_001035.3 (MANE Select); 3 bases into the intron after coding-DNA position 8208, A replaced by G.
Molecular consequence: intron variant.
Genome position (GRCh38, 1-based): chr1:237,658,025, A>G. VCF-style: chr1-237658025-A-G. GRCh37 (hg19) VCF-style: chr1-237821325-A-G.
Identifiers: ClinVar variation 4733427 (VCV004733427.1).

ClinVar aggregate classification (germline): Uncertain significance (1 of 4 stars; one submission).

Conditions:
Catecholaminergic polymorphic ventricular tachycardia 1. Also called: VENTRICULAR TACHYCARDIA, CATECHOLAMINERGIC POLYMORPHIC, 1, WITH OR WITHOUT ATRIAL DYSFUNCTION AND/OR DILATED CARDIOMYOPATHY; RYR2-Related Catecholaminergic Polymorphic Ventricular Tachycardia; VENTRICULAR TACHYCARDIA, STRESS-INDUCED POLYMORPHIC 1. Identifiers: Orphanet 3286, MedGen C1631597, MONDO:0011484, OMIM 604772.

Submission:

Labcorp Genetics (formerly Invitae), Labcorp
Classification: Uncertain significance for Catecholaminergic polymorphic ventricular tachycardia 1. Last evaluated: 2025-12-16. Review status: criteria provided, single submitter. Criteria: Invitae Variant Classification Sherloc (09022015). Collection method: clinical testing. Allele origin: germline.
Comment: This sequence change falls in intron 54 of the RYR2 gene. It does not directly change the encoded amino acid sequence of the RYR2 protein. It affects a nucleotide within the consensus splice site. This variant is not present in population databases (gnomAD no frequency). This variant has not been reported in the literature in individuals affected with RYR2-related conditions. Variants that disrupt the consensus splice site are a relatively common cause of aberrant splicing (PMID: 17576681, 9536098). Algorithms developed to predict the effect of sequence changes on RNA splicing suggest that this variant is not likely to affect RNA splicing. In summary, the available evidence is currently insufficient to determine the role of this variant in disease. Therefore, it has been classified as a Variant of Uncertain Significance.

Literature cited by the submitters: PubMed 17576681; PubMed 9536098.